The following is an entry in ClinVar:

NM_004360.5(CDH1):c.1771A>C (p.Asn591His)

Gene: CDH1 (cadherin 1; plus strand). Cytogenetic location: 16q22.1.
Variant type: single nucleotide variant.
Coding change: c.1771A>C on transcript NM_004360.5 (MANE Select); coding-DNA position 1771, A replaced by C.
Protein change: p.Asn591His; replaces asparagine 591 with histidine.
Molecular consequence: missense variant. On other transcripts: 5 prime UTR variant (1).
Genome position (GRCh38, 1-based): chr16:68,822,060, A>C. VCF-style: chr16-68822060-A-C. GRCh37 (hg19) VCF-style: chr16-68855963-A-C.
Other names: c.1588A>C, p.Asn530His (NM_001317184.2); c.223A>C, p.Asn75His (NM_001317185.2); c.-195A>C (NM_001317186.2); short protein forms N591H, N75H, N530H.
Identifiers: ClinVar variation 1779801 (VCV001779801.3), dbSNP rs751291956, ClinGen allele CA396466574.

ClinVar aggregate classification (germline): Uncertain significance. Review status: criteria provided, multiple submitters, no conflicts (2 of 4 stars). 2 submissions from 2 submitters: Uncertain significance (2). Last evaluated 2025-02-23.

Conditions:
Hereditary cancer-predisposing syndrome. Also called: Neoplastic Syndromes, Hereditary; Tumor predisposition; Hereditary Cancer Syndrome; Hereditary neoplastic syndrome. Identifiers: Orphanet 140162, MedGen C0027672, MeSH D009386, MONDO:0015356.

Submissions (2):

Color Diagnostics, LLC DBA Color Health
Classification: Uncertain significance for Hereditary cancer-predisposing syndrome. Last evaluated: 2025-02-23. Review status: criteria provided, single submitter. Criteria: ACMG Guidelines, 2015. Collection method: clinical testing. Allele origin: germline.
Comment: This missense variant replaces asparagine with histidine at codon 591 of the CDH1 protein. To our knowledge, functional studies have not been reported for this variant. This variant has not been reported in individuals affected with CDH1-related disorders in the literature. This variant has not been identified in the general population by the Genome Aggregation Database (gnomAD). The available evidence is insufficient to determine the role of this variant in disease conclusively. Therefore, this variant is classified as a Variant of Uncertain Significance.

Ambry Genetics
Classification: Uncertain significance for Hereditary cancer-predisposing syndrome. Last evaluated: 2021-01-21. Review status: criteria provided, single submitter. Criteria: Ambry Variant Classification Scheme 2023. Collection method: clinical testing. Allele origin: germline.
Comment: The p.N591H variant (also known as c.1771A>C), located in coding exon 12 of the CDH1 gene, results from an A to C substitution at nucleotide position 1771. The asparagine at codon 591 is replaced by histidine, an amino acid with similar properties. This amino acid position is highly conserved in available vertebrate species. In addition, this alteration is predicted to be tolerated by in silico analysis. Since supporting evidence is limited at this time, the clinical significance of this alteration remains unclear.